The following is an entry in ClinVar:

ClinVar aggregate classification (germline): Uncertain significance (1 of 4 stars; one submission).

Conditions:
Duchenne muscular dystrophy (DMD). Also called: MUSCULAR DYSTROPHY, PSEUDOHYPERTROPHIC PROGRESSIVE, DUCHENNE TYPE; Duchenne Muscular Dystrophy (DMD). Identifiers: Orphanet 98896, MedGen C0013264, MONDO:0010679, OMIM 310200.

Submission:

Labcorp Genetics (formerly Invitae), Labcorp
Classification: Uncertain significance for Duchenne muscular dystrophy. Last evaluated: 2022-03-28. Review status: criteria provided, single submitter. Criteria: Invitae Variant Classification Sherloc (09022015). Collection method: clinical testing. Allele origin: germline.
Comment: In summary, the available evidence is currently insufficient to determine the role of this variant in disease. Therefore, it has been classified as a Variant of Uncertain Significance. Algorithms developed to predict the effect of missense changes on protein structure and function are either unavailable or do not agree on the potential impact of this missense change (SIFT: "Deleterious"; PolyPhen-2: "Benign"; Align-GVGD: "Class C15"). This variant has not been reported in the literature in individuals affected with DMD-related conditions. This variant is not present in population databases (gnomAD no frequency). This sequence change replaces glycine, which is neutral and non-polar, with arginine, which is basic and polar, at codon 2361 of the DMD protein (p.Gly2361Arg).

NM_004006.3(DMD):c.7081G>A (p.Gly2361Arg)

Gene: DMD (dystrophin; minus strand). Cytogenetic location: Xp21.1.
Variant type: single nucleotide variant.
Coding change: c.7081G>A on transcript NM_004006.3 (MANE Select); coding-DNA position 7081, G replaced by A.
Protein change: p.Gly2361Arg; replaces glycine 2361 with arginine.
Molecular consequence: missense variant. On other transcripts: 5 prime UTR variant (5).
Genome position (GRCh38, 1-based): chrX:31,875,205, C>T on the plus strand (G>A on the coding strand, the complement: DMD is on the minus strand). VCF-style: chrX-31875205-C-T. GRCh37 (hg19) VCF-style: chrX-31893322-C-T.
Other names: c.7057G>A, p.Gly2353Arg (NM_000109.4); c.7069G>A, p.Gly2357Arg (NM_004009.3); c.6712G>A, p.Gly2238Arg (NM_004010.3); c.3058G>A, p.Gly1020Arg (NM_004011.4); c.3049G>A, p.Gly1017Arg (NM_004012.4); c.-300G>A (NM_004013.3, NM_004020.4, NM_004021.3 and 2 more transcripts); short protein forms G2238R, G2353R, G2361R, G1020R, G1017R, G2357R.
Identifiers: ClinVar variation 2118721 (VCV002118721.4), dbSNP rs2532452233, ClinGen allele CA412659891.